The following is an entry in ClinVar:

ClinVar aggregate classification (germline): Uncertain significance (1 of 4 stars; one submission).

Submission:

Labcorp Genetics (formerly Invitae), Labcorp
Classification: Uncertain significance. Last evaluated: 2025-02-13. Review status: criteria provided, single submitter. Criteria: Invitae Variant Classification Sherloc (09022015). Collection method: clinical testing. Allele origin: germline.
Comment: This sequence change replaces glutamic acid, which is acidic and polar, with glycine, which is neutral and non-polar, at codon 750 of the KAT6A protein (p.Glu750Gly). This variant is not present in population databases (gnomAD no frequency). This variant has not been reported in the literature in individuals affected with KAT6A-related conditions. Invitae Evidence Modeling of protein sequence and biophysical properties (such as structural, functional, and spatial information, amino acid conservation, physicochemical variation, residue mobility, and thermodynamic stability) indicates that this missense variant is not expected to disrupt KAT6A protein function with a negative predictive value of 95%. In summary, the available evidence is currently insufficient to determine the role of this variant in disease. Therefore, it has been classified as a Variant of Uncertain Significance.

NM_006766.5(KAT6A):c.2249A>G (p.Glu750Gly)

Gene: KAT6A (lysine acetyltransferase 6A; minus strand). Cytogenetic location: 8p11.21.
Variant type: single nucleotide variant.
Coding change: c.2249A>G on transcript NM_006766.5 (MANE Select); coding-DNA position 2249, A replaced by G.
Protein change: p.Glu750Gly; replaces glutamic acid 750 with glycine.
Molecular consequence: missense variant.
Genome position (GRCh38, 1-based): chr8:41,942,980, T>C on the plus strand (A>G on the coding strand, the complement: KAT6A is on the minus strand). VCF-style: chr8-41942980-T-C. GRCh37 (hg19) VCF-style: chr8-41800498-T-C.
Other names: c.2249A>G, p.Glu750Gly (NM_001305878.2); short protein forms E750G.
Identifiers: ClinVar variation 3691665 (VCV003691665.2).